The following is an entry in ClinVar:

ClinVar aggregate classification (somatic clinical impact): Tier I - Strong (1 of 4 stars; one submission).
ClinVar aggregate classification (oncogenicity): Likely oncogenic (1 of 4 stars; one submission).

Conditions:
Diffuse pediatric-type high-grade glioma, H3-wildtype and IDH-wildtype. Identifiers: MedGen C5669918, MONDO:0858939.
Neoplasm. Also called: Neoplasms; Neoplasm (disease); tumor. Identifiers: MedGen C0027651, MeSH D009369, MONDO:0005070, HP:0002664.

Submissions (2):

Center for Genomic Medicine, Rigshospitalet, Copenhagen University Hospital
Classification: Likely oncogenic for Neoplasm. Last evaluated: 2025-03-04. Review status: criteria provided, single submitter. Criteria: ClinGen/CGC/VICC Guidelines for Oncogenicity, 2022. Collection method: clinical testing. Allele origin: somatic. Affected: yes.

Institute for Genomic Medicine (IGM) Clinical Laboratory, Nationwide Children's Hospital
Classification: Tier I - Strong for Diffuse pediatric-type high-grade glioma, H3-wildtype and IDH-wildtype. Assertion type: diagnostic. Clinical significance: supports diagnosis. Last evaluated: 2022-10-14. Review status: criteria provided, single submitter. Criteria: AMP/ASCO/CAP Guidelines, 2017. Collection method: clinical testing. Allele origin: somatic. Affected: yes.
Comment: Variant has Tier I (strong) clinical significance as a diagnostic inclusion criterion in diffuse pediatric-type high-grade glioma, H3-wildtype and IDH-wildtype, based on the following evidence: 1) Documented in one or more cancer databases (e.g., St. Jude Pecan, COSMIC, CIViC, OncoKB). 2) Appears in one or more well-established professional guidelines (e.g., World Health Organization [WHO]; National Comprehensive Cancer Network [NCCN]) as providing diagnostic, prognostic, or therapeutic information. 3) Information in the literature supports potential biologic effect of variant (PMID: 33259802). 4) Diagnostic for a specific tumor type/classification based on well-powered studies with expert-level consensus (Evidence Level B; PMIDs: 24705251, 29763623, 28966033, 25230881, 27582545, 33259802).

Literature cited by the submitters: PubMed 22745105 (cited by Center for Genomic Medicine, Rigshospitalet, Copenhagen University Hospital); PubMed 33259802 (cited by Institute for Genomic Medicine (IGM) Clinical Laboratory, Nationwide Children's Hospital); PubMed 24705251 (cited by Institute for Genomic Medicine (IGM) Clinical Laboratory, Nationwide Children's Hospital); PubMed 29763623 (cited by Institute for Genomic Medicine (IGM) Clinical Laboratory, Nationwide Children's Hospital); PubMed 28966033 (cited by Institute for Genomic Medicine (IGM) Clinical Laboratory, Nationwide Children's Hospital); PubMed 25230881 (cited by Institute for Genomic Medicine (IGM) Clinical Laboratory, Nationwide Children's Hospital); PubMed 27582545 (cited by Institute for Genomic Medicine (IGM) Clinical Laboratory, Nationwide Children's Hospital).

NM_006206.6(PDGFRA):c.2524G>T (p.Asp842Tyr)

Gene: PDGFRA (platelet derived growth factor receptor alpha; plus strand). Cytogenetic location: 4q12.
Variant type: single nucleotide variant.
Coding change: c.2524G>T on transcript NM_006206.6 (MANE Select); coding-DNA position 2524, G replaced by T.
Protein change: p.Asp842Tyr; replaces aspartic acid 842 with tyrosine.
Molecular consequence: missense variant.
Genome position (GRCh38, 1-based): chr4:54,285,925, G>T. VCF-style: chr4-54285925-G-T. GRCh37 (hg19) VCF-style: chr4-55152092-G-T.
Other names: c.2599G>T, p.Asp867Tyr (NM_001347828.2); c.2524G>T, p.Asp842Tyr (NM_001347829.2); c.2563G>T, p.Asp855Tyr (NM_001347830.2); short protein forms D842Y, D855Y, D867Y.
Identifiers: ClinVar variation 3765060 (VCV003765060.2), dbSNP rs121913265.